The following is an entry in ClinVar:

NM_000789.4(ACE):c.3580G>C (p.Ala1194Pro)

Gene: ACE (angiotensin I converting enzyme; plus strand). Cytogenetic location: 17q23.3.
Variant type: single nucleotide variant.
Coding change: c.3580G>C on transcript NM_000789.4 (MANE Select); coding-DNA position 3580, G replaced by C.
Protein change: p.Ala1194Pro; replaces alanine 1194 with proline.
Molecular consequence: missense variant. On other transcripts: non-coding transcript variant (1).
Genome position (GRCh38, 1-based): chr17:63,496,874, G>C. VCF-style: chr17-63496874-G-C. GRCh37 (hg19) VCF-style: chr17-61574235-G-C.
Other names: c.1858G>C, p.Ala620Pro (NM_152830.3); c.1735G>C, p.Ala579Pro (NM_001178057.2); c.3013G>C, p.Ala1005Pro (NM_001382700.1); c.2728G>C, p.Ala910Pro (NM_001382701.1); c.1195G>C, p.Ala399Pro (NM_001382702.1); short protein forms A1005P, A1194P, A399P, A579P, A620P, A910P.
Identifiers: ClinVar variation 4534919 (VCV004534919.6).

ClinVar aggregate classification (germline): Uncertain significance (1 of 4 stars; one submission).

Submission:

CeGaT Center for Human Genetics Tuebingen
Classification: Uncertain significance. Last evaluated: 2025-10-01. Review status: criteria provided, single submitter. Criteria: CeGaT Center For Human Genetics Tuebingen Variant Classification Criteria Version 2. Collection method: clinical testing. Allele origin: germline. Affected: yes. Observed: 1 variant allele.
Comment: ACE: PM2, BP4